The following is an entry in ClinVar:

NM_152713.5(STT3A):c.40C>T (p.Gln14Ter)

Gene: STT3A (STT3 oligosaccharyltransferase complex catalytic subunit A; plus strand). Cytogenetic location: 11q24.2.
Variant type: single nucleotide variant.
Coding change: c.40C>T on transcript NM_152713.5 (MANE Select); coding-DNA position 40, C replaced by T.
Protein change: p.Gln14Ter; replaces glutamine 14 with a stop codon.
Molecular consequence: nonsense. On other transcripts: intron variant (1).
Genome position (GRCh38, 1-based): chr11:125,595,955, C>T. VCF-style: chr11-125595955-C-T. GRCh37 (hg19) VCF-style: chr11-125465850-C-T.
Other names: c.40C>T, p.Gln14Ter (NM_001278503.2); c.-188-1104C>T (NM_001278504.2); short protein forms Q14*.
Identifiers: ClinVar variation 3764481 (VCV003764481.2).

ClinVar aggregate classification (germline): Uncertain significance (1 of 4 stars; one submission).

Submission:

GeneDx
Classification: Uncertain significance. Last evaluated: 2026-04-29. Review status: criteria provided, single submitter. Criteria: GeneDx Variant Classification Process June 2021. Collection method: clinical testing. Allele origin: germline.
Comment: Not observed at significant frequency in large population cohorts (gnomAD); Nonsense variant predicted to result in protein truncation or nonsense mediated decay in a gene or region of a gene for which loss of function is not a known mechanism of disease; Has not been previously published as pathogenic or benign to our knowledge